The following is an entry in ClinVar:

ClinVar aggregate classification (germline): Uncertain significance (1 of 4 stars; one submission).

Allele frequency attached by ClinVar (database versions not stated): gnomAD exomes below 0.00001; ExAC 0.00001.
gnomAD v4.1: 5 of 1,612,990 alleles (0.00031%); highest among the groups gnomAD compares: South Asian, 0.0044%; no homozygotes.

Submission:

Ambry Genetics
Classification: Uncertain significance. Last evaluated: 2023-08-02. Review status: criteria provided, single submitter. Criteria: Ambry Variant Classification Scheme 2023. Collection method: clinical testing. Allele origin: germline.
Comment: The p.V30M variant (also known as c.88G>A), located in coding exon 1 of the ALPK2 gene, results from a G to A substitution at nucleotide position 88. The valine at codon 30 is replaced by methionine, an amino acid with highly similar properties. This amino acid position is conserved. In addition, this alteration is predicted to be tolerated by in silico analysis. Since supporting evidence is limited at this time, the clinical significance of this alteration remains unclear.

NM_052947.4(ALPK2):c.88G>A (p.Val30Met)

Gene: ALPK2 (alpha kinase 2; minus strand). Cytogenetic location: 18q21.32.
Variant type: single nucleotide variant.
Coding change: c.88G>A on transcript NM_052947.4 (MANE Select); coding-DNA position 88, G replaced by A.
Protein change: p.Val30Met; replaces valine 30 with methionine.
Molecular consequence: missense variant.
Genome position (GRCh38, 1-based): chr18:58,611,710, C>T on the plus strand (G>A on the coding strand, the complement: ALPK2 is on the minus strand). VCF-style: chr18-58611710-C-T. GRCh37 (hg19) VCF-style: chr18-56278942-C-T.
Other names: short protein forms V30M.
Identifiers: ClinVar variation 2626017 (VCV002626017.2), dbSNP rs771974645, ClinGen allele CA8977554.